The following is an entry in ClinVar:

NM_177972.3(TUB):c.597T>C (p.Asp199=)

Genes: RIC3 (RIC3 acetylcholine receptor chaperone; minus strand), TUB (TUB bipartite transcription factor; plus strand). Cytogenetic location: 11p15.4.
Variant type: single nucleotide variant.
Coding change: c.597T>C on transcript NM_177972.3 (MANE Select); coding-DNA position 597, T replaced by C.
Protein change: p.Asp199=; no amino-acid change (aspartic acid 199 retained).
Molecular consequence: synonymous variant.
Genome position (GRCh38, 1-based): chr11:8,096,716, T>C. VCF-style: chr11-8096716-T-C. GRCh37 (hg19) VCF-style: chr11-8118263-T-C.
Other names: c.762T>C, p.Asp254= (NM_003320.5).
Identifiers: ClinVar variation 3358262 (VCV003358262.1).

ClinVar aggregate classification (germline): Likely benign (0 of 4 stars; one submission).

Conditions:
TUB-related disorder. Also called: TUB-related condition.

gnomAD v4.1: 1 of 1,613,136 alleles (0.000062%); highest among the groups gnomAD compares: Admixed American, 0.0017%; no homozygotes.

Submission:

PreventionGenetics, part of Exact Sciences
Classification: Likely benign for TUB-related condition. Last evaluated: 2022-05-05. Review status: no assertion criteria provided. Collection method: clinical testing. Allele origin: germline.
Comment: This variant is classified as likely benign based on ACMG/AMP sequence variant interpretation guidelines (Richards et al. 2015 PMID: 25741868, with internal and published modifications).